The following is an entry in ClinVar:

NM_005956.4(MTHFD1):c.673G>T (p.Glu225Ter)

Gene: MTHFD1 (methylenetetrahydrofolate dehydrogenase, cyclohydrolase and formyltetrahydrofolate synthetase 1; plus strand). Cytogenetic location: 14q23.3.
Variant type: single nucleotide variant.
Coding change: c.673G>T on transcript NM_005956.4 (MANE Select); coding-DNA position 673, G replaced by T.
Protein change: p.Glu225Ter; replaces glutamic acid 225 with a stop codon.
Molecular consequence: nonsense.
Genome position (GRCh38, 1-based): chr14:64,419,871, G>T. VCF-style: chr14-64419871-G-T. GRCh37 (hg19) VCF-style: chr14-64886589-G-T.
Other names: c.673G>T, p.Glu225Ter (LRG_1243t1, NM_001364837.1); short protein forms E225*.
Identifiers: ClinVar variation 446307 (VCV000446307.5), dbSNP rs760889414, ClinGen allele CA7226008.
Genomic context (GRCh38, chr14:64,419,871, plus strand): 5'-TAGGTAAATAAAGGTGACATCCTGGTGGTTGCAACTGGTCAGCCTGAAATGGTTAAAGGG[G>T]AGTGGATCAAACCTGGGGCAATAGTCATCGACTGTGGAATCAATTATGTCCCAGGTGAGT-3'

ClinVar aggregate classification (germline): Pathogenic. Review status: criteria provided, multiple submitters, no conflicts (2 of 4 stars). 3 submissions from 3 submitters: Pathogenic (2). 1 of the submissions does not count toward it. Last evaluated 2024-10-24.

Conditions:
Combined immunodeficiency and megaloblastic anemia with or without hyperhomocysteinemia. Also called: METHYLENETETRAHYDROFOLATE DEHYDROGENASE 1 DEFICIENCY; COMBINED IMMUNODEFICIENCY AND MEGALOBLASTIC ANEMIA. Identifiers: Orphanet 658813, MedGen C4540434, MONDO:0060611, OMIM 617780.

Allele frequency attached by ClinVar (database versions not stated): gnomAD exomes 0.00002; ExAC 0.00003.
gnomAD v4.1: 12 of 1,614,176 alleles (0.00074%); highest among the groups gnomAD compares: Non-Finnish European, 0.00076%; no homozygotes.

Submissions (3):

Labcorp Genetics (formerly Invitae), Labcorp
Classification: Pathogenic. Last evaluated: 2024-10-24. Review status: criteria provided, single submitter. Criteria: Invitae Variant Classification Sherloc (09022015). Collection method: clinical testing. Allele origin: germline.
Comment: This sequence change creates a premature translational stop signal (p.Glu225*) in the MTHFD1 gene. It is expected to result in an absent or disrupted protein product. Loss-of-function variants in MTHFD1 are known to be pathogenic (PMID: 21813566, 25633902). This variant is present in population databases (rs760889414, gnomAD 0.004%). This premature translational stop signal has been observed in individual(s) with methylenetetrahydrofolate dehydrogenase 1 deficiency (PMID: 25633902). In at least one individual the data is consistent with being in trans (on the opposite chromosome) from a pathogenic variant. ClinVar contains an entry for this variant (Variation ID: 446307). For these reasons, this variant has been classified as Pathogenic.

SIB Swiss Institute of Bioinformatics
Classification: Pathogenic for Combined immunodeficiency and megaloblastic anemia with or without hyperhomocysteinemia. Last evaluated: 2018-10-15. Review status: criteria provided, single submitter. Criteria: ACMG Guidelines, 2015. Collection method: curation. Allele origin: germline.
Comment: This variant is interpreted as Pathogenic, for Combined immunodeficiency and megaloblastic anemia with or without hyperhomocysteinemia, autosomal recessive. The following ACMG Tag(s) were applied: PS3 => Well-established functional studies show a deleterious effect (PubMed 25633902). PVS1-Strong => PVS1 downgraded in strength to Strong. PP1 => Cosegregation with disease in multiple affected family members in a gene definitively known to cause the disease (PubMed 25633902). PM2 => Absent from controls (or at extremely low frequency if recessive) in Exome Sequencing Project, 1000 Genomes Project, or Exome Aggregation Consortium.

OMIM
Classification: Pathogenic for COMBINED IMMUNODEFICIENCY AND MEGALOBLASTIC ANEMIA. Last evaluated: 2017-11-21. Review status: no assertion criteria provided. Collection method: literature only. Allele origin: germline. Not counted in ClinVar's aggregate classification.

Literature cited by the submitters: PubMed 21813566 (cited by Labcorp Genetics (formerly Invitae), Labcorp); PubMed 25633902 (cited by 3 submitters).